The following is an entry in ClinVar:

ClinVar aggregate classification (germline): Pathogenic (1 of 4 stars; one submission).

Conditions:
Hereditary cancer-predisposing syndrome. Also called: Hereditary neoplastic syndrome; Neoplastic Syndromes, Hereditary; Tumor predisposition; Hereditary Cancer Syndrome. Identifiers: Orphanet 140162, MedGen C0027672, MeSH D009386, MONDO:0015356.

Submission:

Ambry Genetics
Classification: Pathogenic for Hereditary cancer-predisposing syndrome. Last evaluated: 2025-07-29. Review status: criteria provided, single submitter. Criteria: Ambry Variant Classification Scheme 2023. Collection method: clinical testing. Allele origin: germline.
Comment: The c.5088dupT pathogenic mutation, located in coding exon 15 of the APC gene, results from a duplication of T at nucleotide position 5088, causing a translational frameshift with a predicted alternate stop codon (p.T1697Yfs*3). This alteration occurs in the 3' terminus of theAPC gene, is not expected to trigger nonsense-mediated mRNA decay, and impacts the last 40% of the protein. However, premature stop codons are typically deleterious in nature and a significant portion of the protein is affected (Ambry internal data). This variant was reported in individual(s) with features consistent with APC-related familial adenomatous polyposis (Ambry internal data). This variant is considered to be rare based on population cohorts in the Genome Aggregation Database (gnomAD).

NM_000038.6(APC):c.5088dup (p.Thr1697fs)

Gene: APC (APC regulator of Wnt signaling pathway; plus strand). Cytogenetic location: 5q22.2.
Variant type: Duplication.
Coding change: c.5088dup on transcript NM_000038.6 (MANE Select); coding-DNA position 5088, one base duplicated (T; older notation c.5088dupT).
Protein change: p.Thr1697fs; shifts the reading frame from threonine 1697.
Molecular consequence: frameshift variant. On other transcripts: non-coding transcript variant (2).
Genome position (GRCh38, 1-based): chr5:112,840,682, T duplicated. VCF-style (leftmost placement, unchanged base first): chr5-112840681-G-GT. GRCh37 (hg19) VCF-style: chr5-112176378-G-GT.
Other names: c.5172dup, p.Thr1725fs (NM_001407446.1); c.5142dup, p.Thr1715fs (NM_001407447.1, NM_001407448.1, NM_001407449.1 and 1 more transcripts); c.5088dup, p.Thr1697fs (NM_001407450.1, NM_001127510.3, NM_001354895.2); c.5067dup, p.Thr1690fs (NM_001407451.1); c.5058dup, p.Thr1687fs (NM_001407452.1); c.4911dup, p.Thr1638fs (NM_001407453.1, NM_001354901.2); c.4839dup, p.Thr1614fs (NM_001407454.1, NM_001407455.1, NM_001407456.1 and 1 more transcripts); c.3936dup, p.Thr1313fs (NM_001407472.1, NM_001407471.1); and 11 more; short protein forms T1313fs, T1414fs, T1606fs, T1614fs, T1656fs, T1669fs, T1707fs, T1568fs.
Identifiers: ClinVar variation 4120890 (VCV004120890.1).